The following is an entry in ClinVar:

NM_006231.4(POLE):c.847C>T (p.Leu283Phe)

Gene: POLE (DNA polymerase epsilon, catalytic subunit; minus strand). Cytogenetic location: 12q24.33.
Variant type: single nucleotide variant.
Coding change: c.847C>T on transcript NM_006231.4 (MANE Select); coding-DNA position 847, C replaced by T.
Protein change: p.Leu283Phe; replaces leucine 283 with phenylalanine.
Molecular consequence: missense variant.
Genome position (GRCh38, 1-based): chr12:132,676,608, G>A on the plus strand (C>T on the coding strand, the complement: POLE is on the minus strand). VCF-style: chr12-132676608-G-A. GRCh37 (hg19) VCF-style: chr12-133253194-G-A.
Other names: short protein forms L283F.
Identifiers: ClinVar variation 240633 (VCV000240633.12), dbSNP rs878854898, ClinGen allele CA10583025.

ClinVar aggregate classification (germline): Uncertain significance. Review status: criteria provided, multiple submitters, no conflicts (2 of 4 stars). 4 submissions from 4 submitters: Uncertain significance (4). Last evaluated 2025-06-02.

Conditions:
Hereditary cancer-predisposing syndrome. Also called: Tumor predisposition; Neoplastic Syndromes, Hereditary; Hereditary Cancer Syndrome; Hereditary neoplastic syndrome. Identifiers: Orphanet 140162, MedGen C0027672, MeSH D009386, MONDO:0015356.

Submissions (4):

Labcorp Genetics (formerly Invitae), Labcorp
Classification: Uncertain significance. Last evaluated: 2025-06-02. Review status: criteria provided, single submitter. Criteria: Invitae Variant Classification Sherloc (09022015). Collection method: clinical testing. Allele origin: germline.
Comment: This sequence change replaces leucine, which is neutral and non-polar, with phenylalanine, which is neutral and non-polar, at codon 283 of the POLE protein (p.Leu283Phe). This variant is not present in population databases (gnomAD no frequency). This variant has not been reported in the literature in individuals affected with POLE-related conditions. ClinVar contains an entry for this variant (Variation ID: 240633). Invitae Evidence Modeling of protein sequence and biophysical properties (such as structural, functional, and spatial information, amino acid conservation, physicochemical variation, residue mobility, and thermodynamic stability) indicates that this missense variant is expected to disrupt POLE protein function with a positive predictive value of 80%. In summary, the available evidence is currently insufficient to determine the role of this variant in disease. Therefore, it has been classified as a Variant of Uncertain Significance.

Ambry Genetics
Classification: Uncertain significance for Hereditary cancer-predisposing syndrome. Last evaluated: 2024-09-27. Review status: criteria provided, single submitter. Criteria: Ambry Variant Classification Scheme 2023. Collection method: clinical testing. Allele origin: germline.
Comment: The p.L283F variant (also known as c.847C>T), located in coding exon 9 of the POLE gene, results from a C to T substitution at nucleotide position 847. The leucine at codon 283 is replaced by phenylalanine, an amino acid with highly similar properties. This amino acid position is highly conserved in available vertebrate species. In addition, the in silico prediction for this alteration is inconclusive. Based on the available evidence, the clinical significance of this variant remains unclear.

Sema4
Classification: Uncertain significance for Hereditary cancer-predisposing syndrome. Last evaluated: 2022-02-02. Review status: criteria provided, single submitter. Criteria: Sema4 Curation Guidelines. Collection method: curation. Allele origin: germline.
Comment: The POLE c.847C>T (p.L283F) variant has not been reported in the literature to our knowledge. It was not observed in the large and broad cohorts of the Genome Aggregation Database (PMID: 32461654). The variant has been reported in ClinVar (Variation ID: 240633). Functional studies have not been performed, and in silico predictions of the variant's effect on protein function are inconclusive. The evidence is insufficient to meet ACMG/AMP criteria for classifying the variant as benign or pathogenic. Thus, the clinical significance of this variant is currently uncertain.

GeneDx
Classification: Uncertain significance. Last evaluated: 2019-11-22. Review status: criteria provided, single submitter. Criteria: GeneDx Variant Classification Process June 2021. Collection method: clinical testing. Allele origin: germline. Affected: yes.
Comment: Not observed in large population cohorts (Lek 2016); In silico analysis, which includes protein predictors and evolutionary conservation, supports a deleterious effect; Has not been previously published as pathogenic or benign to our knowledge